The following is an entry in ClinVar:

NM_014363.6(SACS):c.5826C>T (p.Tyr1942=)

Gene: SACS (sacsin molecular chaperone; minus strand). Cytogenetic location: 13q12.12.
Variant type: single nucleotide variant.
Coding change: c.5826C>T on transcript NM_014363.6 (MANE Select); coding-DNA position 5826, C replaced by T.
Protein change: p.Tyr1942=; no amino-acid change (tyrosine 1942 retained).
Molecular consequence: synonymous variant.
Genome position (GRCh38, 1-based): chr13:23,338,050, G>A on the plus strand (C>T on the coding strand, the complement: SACS is on the minus strand). VCF-style: chr13-23338050-G-A. GRCh37 (hg19) VCF-style: chr13-23912189-G-A.
Other names: p.Tyr1942=; c.5385C>T, p.Tyr1795= (NM_001278055.2).
Identifiers: ClinVar variation 458266 (VCV000458266.17), dbSNP rs759326217, ClinGen allele CA6911191.

ClinVar aggregate classification (germline): Benign/Likely benign. Review status: criteria provided, multiple submitters, no conflicts (2 of 4 stars). 7 submissions from 7 submitters: Benign (3); Likely benign (4). Last evaluated 2026-06-04.

Conditions:
SACS-related disorder. Also called: SACS-related condition.
Spastic paraplegia. Identifiers: MedGen C0037772, HP:0001258.

Allele frequency attached by ClinVar (database versions not stated): TOPMed 0.00026; gnomAD exomes 0.00039 and 0.00008; gnomAD 0.00013 and 0.00014; ExAC 0.00026.
gnomAD v4.1: 136 of 1,613,672 alleles (0.0084%); highest among the groups gnomAD compares: Admixed American, 0.22%; 1 homozygote.

Submissions (7):

PreventionGenetics, part of Exact Sciences
Classification: Likely benign for SACS-related condition. Last evaluated: 2026-06-04. Review status: criteria provided, single submitter. Criteria: ACMG Guidelines, 2015. Collection method: clinical testing. Allele origin: germline.
Comment: This variant is classified as likely benign based on ACMG/AMP sequence variant interpretation guidelines (Richards et al. 2015 PMID: 25741868, with internal and published modifications).

CeGaT Center for Human Genetics Tuebingen
Classification: Likely benign. Last evaluated: 2026-05-01. Review status: criteria provided, single submitter. Criteria: CeGaT Center For Human Genetics Tuebingen Variant Classification Criteria Version 2. Collection method: clinical testing. Allele origin: germline. Affected: yes. Observed: 1 variant allele.
Comment: SACS: BP4, BP7

Labcorp Genetics (formerly Invitae), Labcorp
Classification: Benign for Spastic paraplegia. Last evaluated: 2026-01-24. Review status: criteria provided, single submitter. Criteria: Invitae Variant Classification Sherloc (09022015). Collection method: clinical testing. Allele origin: germline.

Women's Health and Genetics/Laboratory Corporation of America, LabCorp
Classification: Likely benign. Last evaluated: 2025-11-11. Review status: criteria provided, single submitter. Criteria: LabCorp Variant Classification Summary - May 2015. Collection method: clinical testing. Allele origin: germline.

Mayo Clinic Laboratories, Mayo Clinic
Classification: Likely benign. Last evaluated: 2025-09-23. Review status: criteria provided, single submitter. Criteria: ACMG Guidelines, 2015. Collection method: clinical testing. Allele origin: germline. Observed: 1 variant allele.
Comment: BS1, BP4, BP7

Athena Diagnostics
Classification: Benign. Last evaluated: 2020-11-03. Review status: criteria provided, single submitter. Criteria: Athena Diagnostics criteria. Collection method: clinical testing. Allele origin: unknown.

Breakthrough Genomics
Classification: Benign. Review status: criteria provided, single submitter. Criteria: ACMG Guidelines, 2015. Collection method: not provided. Allele origin: germline. Inheritance: Autosomal recessive inheritance. Affected: yes.